The following is an entry in ClinVar:

ClinVar aggregate classification (germline): Uncertain significance (1 of 4 stars; one submission).

Conditions:
Hereditary cancer-predisposing syndrome. Also called: Neoplastic Syndromes, Hereditary; Tumor predisposition; Hereditary Cancer Syndrome; Hereditary neoplastic syndrome. Identifiers: Orphanet 140162, MedGen C0027672, MeSH D009386, MONDO:0015356.

Submission:

Ambry Genetics
Classification: Uncertain significance for Hereditary cancer-predisposing syndrome. Last evaluated: 2024-10-21. Review status: criteria provided, single submitter. Criteria: Ambry Variant Classification Scheme 2023. Collection method: clinical testing. Allele origin: germline.
Comment: The p.L2129V variant (also known as c.6385C>G), located in coding exon 46 of the POLE gene, results from a C to G substitution at nucleotide position 6385. The leucine at codon 2129 is replaced by valine, an amino acid with highly similar properties. This amino acid position is conserved. In addition, the in silico prediction for this alteration is inconclusive. Based on the available evidence, the clinical significance of this variant remains unclear.

NM_006231.4(POLE):c.6385C>G (p.Leu2129Val)

Gene: POLE (DNA polymerase epsilon, catalytic subunit; minus strand). Cytogenetic location: 12q24.33.
Variant type: single nucleotide variant.
Coding change: c.6385C>G on transcript NM_006231.4 (MANE Select); coding-DNA position 6385, C replaced by G.
Protein change: p.Leu2129Val; replaces leucine 2129 with valine.
Molecular consequence: missense variant.
Genome position (GRCh38, 1-based): chr12:132,626,263, G>C on the plus strand (C>G on the coding strand, the complement: POLE is on the minus strand). VCF-style: chr12-132626263-G-C. GRCh37 (hg19) VCF-style: chr12-133202849-G-C.
Other names: short protein forms L2129V.
Identifiers: ClinVar variation 3422200 (VCV003422200.1).